The following is an entry in ClinVar:

ClinVar aggregate classification (germline): Conflicting classifications of pathogenicity. Review status: criteria provided, conflicting classifications (1 of 4 stars). 2 submissions from 2 submitters: Likely pathogenic (1); Uncertain significance (1). Last evaluated 2022-07-18.

gnomAD v4.1: 1 of 1,614,190 alleles (0.000062%); highest among the groups gnomAD compares: Non-Finnish European, 0.000085%; no homozygotes.

Submissions (2):

Labcorp Genetics (formerly Invitae), Labcorp
Classification: Uncertain significance. Last evaluated: 2022-07-18. Review status: criteria provided, single submitter. Criteria: Invitae Variant Classification Sherloc (09022015). Collection method: clinical testing. Allele origin: germline.
Comment: ClinVar contains an entry for this variant (Variation ID: 427116). This variant has not been reported in the literature in individuals affected with COL4A1-related conditions. This variant is not present in population databases (gnomAD no frequency). This sequence change replaces proline, which is neutral and non-polar, with leucine, which is neutral and non-polar, at codon 1528 of the COL4A1 protein (p.Pro1528Leu). Advanced modeling of protein sequence and biophysical properties (such as structural, functional, and spatial information, amino acid conservation, physicochemical variation, residue mobility, and thermodynamic stability) performed at Invitae indicates that this missense variant is not expected to disrupt COL4A1 protein function. In summary, the available evidence is currently insufficient to determine the role of this variant in disease. Therefore, it has been classified as a Variant of Uncertain Significance.

GeneDx
Classification: Likely pathogenic. Last evaluated: 2015-06-01. Review status: criteria provided, single submitter. Criteria: GeneDx Variant Classification (06012015). Collection method: clinical testing. Allele origin: germline. Affected: yes.
Comment: The P1528L variant in the COL4A1 gene has not been published as a pathogenic variant, nor has it been reported as a benign polymorphism to our knowledge. The P1528L variant was not observed in approximately 6500 individuals of European and African American ancestry in the NHLBI Exome Sequencing Project, indicating it is not a common benign variant in these populations. The P1528L variant is a semi-conservative amino acid substitution, which may impact secondary protein structure as these residues differ in some properties. This substitution occurs at a position that is conserved across species. In silico analysis predicts this variant is probably damaging to the protein structure/function. The P1528L variant is a strong candidate for a disease-causing variant, however the possibility it may be a rare benign variant cannot be excluded.

NM_001845.6(COL4A1):c.4583C>T (p.Pro1528Leu)

Gene: COL4A1 (collagen type IV alpha 1 chain; minus strand). Cytogenetic location: 13q34.
Variant type: single nucleotide variant.
Coding change: c.4583C>T on transcript NM_001845.6 (MANE Select); coding-DNA position 4583, C replaced by T.
Protein change: p.Pro1528Leu; replaces proline 1528 with leucine.
Molecular consequence: missense variant.
Genome position (GRCh38, 1-based): chr13:110,161,249, G>A on the plus strand (C>T on the coding strand, the complement: COL4A1 is on the minus strand). VCF-style: chr13-110161249-G-A. GRCh37 (hg19) VCF-style: chr13-110813596-G-A.
Other names: short protein forms P1528L.
Identifiers: ClinVar variation 427116 (VCV000427116.8), dbSNP rs1085307967, ClinGen allele CA388657213.
Genomic context (GRCh38, chr13:110,161,249, plus strand): 5'-CACCTACTAATAAATGGTCTTATGTTTTCCCCCGTGATGGGTGCCATTGACATGGGCATG[G>A]GCTCAGGGGTGGACAGCCAGTACGAGTAGTCATTTCGTGATGCAAAGTTGCACACGTTGT-3'
Protein context (NP_001836.3, residues 1518-1538): DYSYWLSTPE[Pro1528Leu]MPMSMAPITG